The following is an entry in ClinVar:

ClinVar aggregate classification (germline): Pathogenic/Likely pathogenic. Review status: criteria provided, multiple submitters, no conflicts (2 of 4 stars). 2 submissions from 2 submitters: Pathogenic (1); Likely pathogenic (1). Last evaluated 2025-02-23.

Conditions:
Epilepsy. Also called: Seizure disorder. Identifiers: MedGen C0014544, MeSH D004827, MONDO:0005027.
PIGQ-related disorder. Also called: PIGQ-related condition.

gnomAD v4.1: 15 of 1,584,584 alleles (0.00095%); highest among the groups gnomAD compares: East Asian, 0.0023%; no homozygotes.

Submissions (2):

Labcorp Genetics (formerly Invitae), Labcorp
Classification: Pathogenic for Epilepsy. Last evaluated: 2025-02-23. Review status: criteria provided, single submitter. Criteria: Invitae Variant Classification Sherloc (09022015). Collection method: clinical testing. Allele origin: germline.
Comment: This sequence change creates a premature translational stop signal (p.Gln271*) in the PIGQ gene. It is expected to result in an absent or disrupted protein product. Loss-of-function variants in PIGQ are known to be pathogenic (PMID: 24463883, 25558065). This variant is not present in population databases (gnomAD no frequency). This variant has not been reported in the literature in individuals affected with PIGQ-related conditions. For these reasons, this variant has been classified as Pathogenic.

Blueprint Genetics
Classification: Likely pathogenic for PIGQ-related disorders. Last evaluated: 2021-08-05. Review status: criteria provided, single submitter. Criteria: ACMG Guidelines, 2015. Collection method: clinical testing. Allele origin: germline. Affected: yes. Observed: 1 variant allele.

Literature cited by the submitters: PubMed 24463883 (cited by Labcorp Genetics (formerly Invitae), Labcorp); PubMed 25558065 (cited by Labcorp Genetics (formerly Invitae), Labcorp).

NM_004204.5(PIGQ):c.811C>T (p.Gln271Ter)

Gene: PIGQ (phosphatidylinositol glycan anchor biosynthesis class Q; plus strand). Cytogenetic location: 16p13.3.
Variant type: single nucleotide variant.
Coding change: c.811C>T on transcript NM_004204.5 (MANE Select); coding-DNA position 811, C replaced by T.
Protein change: p.Gln271Ter; replaces glutamine 271 with a stop codon.
Molecular consequence: nonsense.
Genome position (GRCh38, 1-based): chr16:575,960, C>T. VCF-style: chr16-575960-C-T. GRCh37 (hg19) VCF-style: chr16-625960-C-T.
Other names: c.811C>T, p.Gln271Ter (NM_148920.4); short protein forms Q271*.
Identifiers: ClinVar variation 4798159 (VCV004798159.2).